The following is an entry in ClinVar:

NM_016579.4(CD320):c.543G>A (p.Met181Ile)

Gene: CD320 (CD320 molecule; minus strand). Cytogenetic location: 19p13.2.
Variant type: single nucleotide variant.
Coding change: c.543G>A on transcript NM_016579.4 (MANE Select); coding-DNA position 543, G replaced by A.
Protein change: p.Met181Ile; replaces methionine 181 with isoleucine.
Molecular consequence: missense variant.
Genome position (GRCh38, 1-based): chr19:8,302,940, C>T on the plus strand (G>A on the coding strand, the complement: CD320 is on the minus strand). VCF-style: chr19-8302940-C-T. GRCh37 (hg19) VCF-style: chr19-8367824-C-T.
Other names: c.417G>A, p.Met139Ile (NM_001165895.2); short protein forms M139I, M181I.
Identifiers: ClinVar variation 3627705 (VCV003627705.2).
Genomic context (GRCh38, chr19:8,302,940, plus strand): 5'-GGGCCCCATGGTTGTGGCATTCCTGAGAGAGGTGACACTCTCCAGGGTCACAGGGGGCCC[C>T]ATGGTTGTGGCATCCCCTTCCGGGAGGATCTCATTGGTTCCTGCAATAAGCCCAGGCGTT-3'
Protein context (NP_057663.1, residues 171-191): EILPEGDATT[Met181Ile]GPPVTLESVT

ClinVar aggregate classification (germline): Uncertain significance (1 of 4 stars; one submission).

Conditions:
Methylmalonic acidemia due to transcobalamin receptor defect (MATR). Also called: METHYLMALONIC ACIDURIA, TRANSIENT, DUE TO TRANSCOBALAMIN RECEPTOR DEFECT; METHYLMALONIC ACIDEMIA, TCblR TYPE. Identifiers: Orphanet 280183, MedGen C4749905, MONDO:0013341, OMIM 613646.

Submission:

Labcorp Genetics (formerly Invitae), Labcorp
Classification: Uncertain significance for Methylmalonic acidemia due to transcobalamin receptor defect. Last evaluated: 2024-07-04. Review status: criteria provided, single submitter. Criteria: Invitae Variant Classification Sherloc (09022015). Collection method: clinical testing. Allele origin: germline.
Comment: This sequence change replaces methionine, which is neutral and non-polar, with isoleucine, which is neutral and non-polar, at codon 181 of the CD320 protein (p.Met181Ile). This variant is present in population databases (rs779644500, gnomAD 0.02%). This variant has not been reported in the literature in individuals affected with CD320-related conditions. An algorithm developed to predict the effect of missense changes on protein structure and function (PolyPhen-2) suggests that this variant is likely to be tolerated. In summary, the available evidence is currently insufficient to determine the role of this variant in disease. Therefore, it has been classified as a Variant of Uncertain Significance.